The following is an entry in ClinVar:

ClinVar aggregate classification (germline): Likely benign (1 of 4 stars; one submission).

Conditions:
GOSR2-related disorder. Also called: GOSR2-related disorders; GOSR2-related condition.

Submission:

PreventionGenetics, part of Exact Sciences
Classification: Likely benign for GOSR2-related condition. Last evaluated: 2025-09-27. Review status: criteria provided, single submitter. Criteria: ACMG Guidelines, 2015. Collection method: clinical testing. Allele origin: germline.
Comment: This variant is classified as likely benign based on ACMG/AMP sequence variant interpretation guidelines (Richards et al. 2015 PMID: 25741868, with internal and published modifications).

NM_004287.5(GOSR2):c.477+103del

Genes: GOSR2 (golgi SNAP receptor complex member 2; plus strand), LRRC37A2 (leucine rich repeat containing 37 member A2). Cytogenetic location: 17q21.32.
Variant type: Deletion.
Coding change: c.477+103del on transcript NM_004287.5 (MANE Select); 103 bases into the intron after coding-DNA position 477, one base deleted (A; older notation c.477+103delA).
Molecular consequence: intron variant. On other transcripts: frameshift variant (1).
Genome position (GRCh38, 1-based): chr17:46,935,272, A deleted. VCF-style (leftmost placement, unchanged base first): chr17-46935271-GA-G. GRCh37 (hg19) VCF-style: chr17-45012637-GA-G.
Other names: c.580del, p.Ile194fs (NM_001012511.3); c.477+103del (NM_001321133.2, NM_054022.4); c.423+103del (NM_001363851.2); c.282+3073del (NM_001321134.2); c.336+3073del (NM_001330252.2); c.474+103del (NM_001353114.2); c.333+3073del (NM_001353115.2, NM_001353116.2); short protein forms I194fs.
Identifiers: ClinVar variation 4985209 (VCV004985209.1).